The following is an entry in ClinVar:

NM_015884.4(MBTPS2):c.1523A>C (p.Asn508Thr)

Gene: MBTPS2 (membrane bound transcription factor peptidase, site 2; plus strand). Cytogenetic location: Xp22.12.
Variant type: single nucleotide variant.
Coding change: c.1523A>C on transcript NM_015884.4 (MANE Select); coding-DNA position 1523, A replaced by C.
Protein change: p.Asn508Thr; replaces asparagine 508 with threonine.
Molecular consequence: missense variant.
Genome position (GRCh38, 1-based): chrX:21,882,618, A>C. VCF-style: chrX-21882618-A-C. GRCh37 (hg19) VCF-style: chrX-21900736-A-C.
Other names: short protein forms N508T.
Identifiers: ClinVar variation 2737104 (VCV002737104.3), dbSNP rs587776867, ClinGen allele CA412570787.

ClinVar aggregate classification (germline): Uncertain significance (1 of 4 stars; one submission).

Submission:

Labcorp Genetics (formerly Invitae), Labcorp
Classification: Uncertain significance. Last evaluated: 2023-05-27. Review status: criteria provided, single submitter. Criteria: Invitae Variant Classification Sherloc (09022015). Collection method: clinical testing. Allele origin: germline.
Comment: This sequence change replaces asparagine, which is neutral and polar, with threonine, which is neutral and polar, at codon 508 of the MBTPS2 protein (p.Asn508Thr). This variant is not present in population databases (gnomAD no frequency). This missense change has been observed in individual(s) with clinical features of ichthyosis follicularis, atrichia, and photophobia syndrome (PMID: 25683132; Invitae). Advanced modeling of protein sequence and biophysical properties (such as structural, functional, and spatial information, amino acid conservation, physicochemical variation, residue mobility, and thermodynamic stability) performed at Invitae indicates that this missense variant is not expected to disrupt MBTPS2 protein function. This variant disrupts the p.Asn508 amino acid residue in MBTPS2. Other variant(s) that disrupt this residue have been determined to be pathogenic (PMID: 20672378). This suggests that this residue is clinically significant, and that variants that disrupt this residue are likely to be disease-causing. In summary, the available evidence is currently insufficient to determine the role of this variant in disease. Therefore, it has been classified as a Variant of Uncertain Significance.

Literature cited by the submitters: PubMed 25683132; PubMed 20672378.